The following is an entry in ClinVar:

ClinVar aggregate classification (germline): Pathogenic (1 of 4 stars; one submission).

Conditions:
Bloom syndrome (BLM). Also called: Bloom-Torre-Machacek syndrome. Identifiers: Orphanet 125, MedGen C0005859, MONDO:0008876, OMIM 210900.

Submission:

Labcorp Genetics (formerly Invitae), Labcorp
Classification: Pathogenic for Bloom syndrome. Last evaluated: 2023-05-20. Review status: criteria provided, single submitter. Criteria: Invitae Variant Classification Sherloc (09022015). Collection method: clinical testing. Allele origin: germline.
Comment: For these reasons, this variant has been classified as Pathogenic. This variant has not been reported in the literature in individuals affected with BLM-related conditions. This variant is not present in population databases (gnomAD no frequency). This sequence change creates a premature translational stop signal (p.His1014Glnfs*14) in the BLM gene. It is expected to result in an absent or disrupted protein product. Loss-of-function variants in BLM are known to be pathogenic (PMID: 17407155).

Literature cited by the submitters: PubMed 17407155.

NM_000057.4(BLM):c.3026_3041dup (p.His1014fs)

Gene: BLM (BLM RecQ like helicase; plus strand). Cytogenetic location: 15q26.1.
Variant type: Duplication.
Coding change: c.3026_3041dup on transcript NM_000057.4 (MANE Select); coding-DNA positions 3026 to 3041, 16 bases duplicated (AAGATGGAAACCATCA).
Protein change: p.His1014fs; shifts the reading frame from histidine 1014.
Molecular consequence: frameshift variant.
Genome position (GRCh38, 1-based): chr15:90,794,173-90,794,188, AAGATGGAAACCATCA duplicated; duplicating any 16 consecutive bases within chr15:90,794,172-90,794,188 gives the same sequence; the c. name uses the placement nearest the transcript's 3' end. VCF-style (leftmost placement, unchanged base first): chr15-90794171-A-AAAAGATGGAAACCATC. GRCh37 (hg19) VCF-style: chr15-91337401-A-AAAAGATGGAAACCATC.
Other names: c.3026_3041dup, p.His1014fs (NM_001287246.2, NM_001287247.2); c.1901_1916dup, p.His639fs (NM_001287248.2); short protein forms H639fs, H1014fs.
Identifiers: ClinVar variation 2749265 (VCV002749265.3), dbSNP rs2505524498, ClinGen allele CA2697549391.
Genomic context (GRCh38, chr15:90,794,171, plus strand): 5'-ATATGCTCTATTTTTCCCCTATAAGTATGTCTTACTATAGTCTTCATCTCTTTTAGTGGA[A>AAAAGATGGAAACCATC]AAAGATGGAAACCATCATACAAGAGAAACTCACTTCAATAATTTGTATAGCATGGTACAT-3'